The following is an entry in ClinVar:

NM_004092.4(ECHS1):c.238C>T (p.Pro80Ser)

Gene: ECHS1 (enoyl-CoA hydratase, short chain 1; minus strand). Cytogenetic location: 10q26.3.
Variant type: single nucleotide variant.
Coding change: c.238C>T on transcript NM_004092.4 (MANE Select); coding-DNA position 238, C replaced by T.
Protein change: p.Pro80Ser; replaces proline 80 with serine.
Molecular consequence: missense variant.
Genome position (GRCh38, 1-based): chr10:133,370,608, G>A on the plus strand (C>T on the coding strand, the complement: ECHS1 is on the minus strand). VCF-style: chr10-133370608-G-A. GRCh37 (hg19) VCF-style: chr10-135184112-G-A.
Other names: short protein forms P80S.
Identifiers: ClinVar variation 1351112 (VCV001351112.8), dbSNP rs2133443209, ClinGen allele CA378822859.

ClinVar aggregate classification (germline): Uncertain significance (1 of 4 stars; one submission).

Submission:

Labcorp Genetics (formerly Invitae), Labcorp
Classification: Uncertain significance. Last evaluated: 2025-07-07. Review status: criteria provided, single submitter. Criteria: Invitae Variant Classification Sherloc (09022015). Collection method: clinical testing. Allele origin: germline.
Comment: This sequence change replaces proline, which is neutral and non-polar, with serine, which is neutral and polar, at codon 80 of the ECHS1 protein (p.Pro80Ser). This variant is not present in population databases (gnomAD no frequency). This variant has not been reported in the literature in individuals affected with ECHS1-related conditions. ClinVar contains an entry for this variant (Variation ID: 1351112). Invitae Evidence Modeling of protein sequence and biophysical properties (such as structural, functional, and spatial information, amino acid conservation, physicochemical variation, residue mobility, and thermodynamic stability) indicates that this missense variant is not expected to disrupt ECHS1 protein function with a negative predictive value of 80%. In summary, the available evidence is currently insufficient to determine the role of this variant in disease. Therefore, it has been classified as a Variant of Uncertain Significance.